The following is an entry in ClinVar:

NM_001711.6(BGN):c.138C>A (p.Thr46=)

Gene: BGN (biglycan; plus strand). Cytogenetic location: Xq28.
Variant type: single nucleotide variant.
Coding change: c.138C>A on transcript NM_001711.6 (MANE Select); coding-DNA position 138, C replaced by A.
Protein change: p.Thr46=; no amino-acid change (threonine 46 retained).
Molecular consequence: synonymous variant.
Genome position (GRCh38, 1-based): chrX:153,504,769, C>A. VCF-style: chrX-153504769-C-A. GRCh37 (hg19) VCF-style: chrX-152770227-C-A.
Identifiers: ClinVar variation 1080916 (VCV001080916.14), dbSNP rs368511428, ClinGen allele CA10547130.

ClinVar aggregate classification (germline): Likely benign. Review status: criteria provided, multiple submitters, no conflicts (2 of 4 stars). 5 submissions from 5 submitters: Likely benign (4). 1 of the submissions does not count toward it. Last evaluated 2026-01-11.

Conditions:
BGN-related disorder. Also called: BGN-related condition.
Cardiovascular phenotype. Identifiers: MedGen CN230736.

Allele frequency attached by ClinVar (database versions not stated): gnomAD 0.00005 and 0.00006; TOPMed 0.00005; gnomAD exomes 0.00010 and 0.00017; ExAC 0.00011; ESP Exome Variant Server 0.00019.

Submissions (5):

Labcorp Genetics (formerly Invitae), Labcorp
Classification: Likely benign. Last evaluated: 2026-01-11. Review status: criteria provided, single submitter. Criteria: Invitae Variant Classification Sherloc (09022015). Collection method: clinical testing. Allele origin: germline.

Blueprint Genetics
Classification: Likely benign. Last evaluated: 2024-07-09. Review status: criteria provided, single submitter. Criteria: ACMG Guidelines, 2015. Collection method: clinical testing. Allele origin: germline.

GeneDx
Classification: Likely benign. Last evaluated: 2020-11-10. Review status: criteria provided, single submitter. Criteria: GeneDx Variant Classification Process June 2021. Collection method: clinical testing. Allele origin: germline. Affected: yes.
Comment: Has not been previously published as pathogenic or benign to our knowledge

Ambry Genetics
Classification: Likely benign for Cardiovascular phenotype. Last evaluated: 2019-09-06. Review status: criteria provided, single submitter. Criteria: Ambry Variant Classification Scheme 2023. Collection method: clinical testing. Allele origin: germline.

PreventionGenetics, part of Exact Sciences
Classification: Likely benign for BGN-related condition. Last evaluated: 2024-08-01. Review status: no assertion criteria provided. Collection method: clinical testing. Allele origin: germline. Not counted in ClinVar's aggregate classification.
Comment: This variant is classified as likely benign based on ACMG/AMP sequence variant interpretation guidelines (Richards et al. 2015 PMID: 25741868, with internal and published modifications).